The following is an entry in ClinVar:

ClinVar aggregate classification (germline): Pathogenic/Likely pathogenic. Review status: criteria provided, multiple submitters, no conflicts (2 of 4 stars). 35 submissions from 33 submitters: Pathogenic (25); Likely pathogenic (4). 6 of the submissions do not count toward it. Last evaluated 2026-03-12.

Conditions:
Rare genetic deafness. Identifiers: Orphanet 96210, MedGen C5680250.
Ichthyosis, hystrix-like, with hearing loss. Also called: Hystrix-like ichthyosis with deafness. Identifiers: Orphanet 477, MedGen C1865234, MONDO:0011245.
Palmoplantar keratoderma-deafness syndrome. Also called: Keratoderma palmoplantar, with deafness; Palmoplantar keratoderma and sensorineural deafness; Hereditary palmoplantar keratoderma with deafness (subtype); Focal palmoplantar keratoderma with sensorineural deafness (subtype); Diffuse palmoplantar keratoderma with deafness (subtype). Identifiers: Orphanet 2202, MedGen C1835672, MONDO:0007852, OMIM 148350.
Knuckle pads, deafness AND leukonychia syndrome. Also called: Bart-Pumphrey syndrome. Identifiers: Orphanet 2698, MedGen C0266004, MONDO:0007866, OMIM 149200.
X-linked mixed hearing loss with perilymphatic gusher. Also called: Gusher syndrome; NANCE DEAFNESS; PERILYMPHATIC GUSHER-DEAFNESS SYNDROME; SENSORINEURAL DEAFNESS, PROFOUND, WITH OR WITHOUT A CONDUCTIVE COMPONENT, ASSOCIATED WITH A UNIQUE DEVELOPMENTAL ABNORMALITY OF THE EAR; Deafness, X-linked 2. Identifiers: Orphanet 383, MedGen C1844678, MONDO:0010576, OMIM 304400.
Mutilating keratoderma (VOWNKL). Also called: Keratoderma hereditarium mutilans. Identifiers: Orphanet 494, MedGen C0265964, MONDO:0007422, OMIM 124500.
Autosomal recessive nonsyndromic hearing loss 1A (DFNB1A). Also called: Connexin 26 deafness; Deafness nonsyndromic, Connexin 26 linked; GJB6-Related DFNB 1 Nonsyndromic Hearing Loss and Deafness; Deafness, autosomal recessive 1A; Nonsyndromic Hearing Loss and Deafness, DFNB1; GJB2-Related Autosomal Recessive Nonsyndromic Hearing Loss. Identifiers: Orphanet 90636, MedGen C2673759, MONDO:0009076, OMIM 220290.
Autosomal dominant keratitis-ichthyosis-hearing loss syndrome. Also called: Senter syndrome; KID SYNDROME, AUTOSOMAL DOMINANT; HID SYNDROME. Identifiers: Orphanet 477, MedGen C0265336, MONDO:0007850, OMIM 148210.
Autosomal dominant nonsyndromic hearing loss 3A. Identifiers: Orphanet 90635, MedGen C2675750, MONDO:0011103, OMIM 601544.
GJB2-related disorder. Also called: GJB2-related condition; GJB2-related disorders. Identifiers: MedGen CN382183, MONDO:1060236.
Hearing loss. Identifiers: MedGen C3887873.
Monogenic hearing loss.
Autosomal recessive nonsyndromic hearing loss 1B. Also called: DEAFNESS, AUTOSOMAL RECESSIVE 1B. Identifiers: Orphanet 90636, MedGen C2675235, MONDO:0012977, OMIM 612645.
Hearing impairment. Also called: Impaired Hearing. Identifiers: MedGen C1384666, MONDO:0005365, HP:0000365.
Intellectual disability. Also called: Intellectual functioning disability; Intellectual developmental disorder; intellectual disabilities. Identifiers: MedGen C3714756, MeSH D008607, MONDO:0001071, HP:0001249.

Allele frequency attached by ClinVar (database versions not stated): gnomAD exomes 0.00029 and 0.00066; gnomAD 0.00047; ExAC 0.00031; 1000 Genomes Project 30x 0.00047; TOPMed 0.00036; 1000 Genomes Project 0.00040; ESP Exome Variant Server 0.00054.
gnomAD v4.1: 1,019 of 1,614,082 alleles (0.063%); highest among the groups gnomAD compares: Non-Finnish European, 0.081%; no homozygotes.

Submissions 1 to 7 of 35:

Genetics Laboratory, Great Ormond Street Hospital NHS Foundation Trust, North Thames Genomic Laboratory Hub
Classification: Pathogenic for Monogenic hearing loss. Last evaluated: 2026-03-12. Review status: criteria provided, single submitter. Criteria: ACGS Best Practice Guidelines for Variant Classification in Rare Disease 2024 v1.2. Collection method: clinical testing. Allele origin: germline. Affected: yes.
Comment: PM2_moderate, PS3_supporting, PM3_very-strong

Department of Otolaryngology Head and Neck Surgery, Hainan Hospital of the Chinese People’s Liberation Army General Hospital
Classification: Likely pathogenic for Autosomal recessive nonsyndromic hearing loss 1A. Last evaluated: 2026-02-01. Review status: criteria provided, single submitter. Criteria: ACMG Guidelines, 2015. Collection method: clinical testing. Allele origin: germline. Affected: no. Observed: 1 variant allele.
Comment: The GJB2 c.416G>A (p.Ser139Asn) variant is classified as Pathogenic for autosomal recessive nonsyndromic hearing loss(Accession: VCV000044749.99.) It has been reported in multiple unrelated individuals affected with sensorineural hearing loss, often in trans with another pathogenic GJB2 variant (Gao 2016). Functional studies in HeLa cells demonstrate that the variant protein fails to correctly localize to plasma membrane junctions and shows defective coupling (Fleishman 2006). Population databases show low allele frequency (gnomAD 0.03%, ExAC East Asian 0.01%) (Gao 2016). Multiple laboratories in ClinVar consistently classify this variant as Pathogenic. Based on available evidence, this variant is considered to be likely pathogenic. In our cohort, heterozygous carriers are asymptomatic, supporting autosomal recessive inheritance.

Labcorp Genetics (formerly Invitae), Labcorp
Classification: Pathogenic. Last evaluated: 2026-01-26. Review status: criteria provided, single submitter. Criteria: Invitae Variant Classification Sherloc (09022015). Collection method: clinical testing. Allele origin: germline.
Comment: This sequence change replaces serine, which is neutral and polar, with asparagine, which is neutral and polar, at codon 139 of the GJB2 protein (p.Ser139Asn). This variant is present in population databases (rs76434661, gnomAD 0.06%). This missense change has been observed in individuals with autosomal recessive deafness (PMID: 11493200, 12172394, 16380907, 17041943, 21465647, 27785406). ClinVar contains an entry for this variant (Variation ID: 44749). Invitae Evidence Modeling of protein sequence and biophysical properties (such as structural, functional, and spatial information, amino acid conservation, physicochemical variation, residue mobility, and thermodynamic stability) indicates that this missense variant is expected to disrupt GJB2 protein function with a positive predictive value of 95%. Experimental studies have shown that this missense change affects GJB2 function (PMID: 16864573). For these reasons, this variant has been classified as Pathogenic.

Natera, Inc.
Classification: Pathogenic for Autosomal recessive deafness type 1A. Last evaluated: 2025-12-02. Review status: criteria provided, single submitter. Criteria: Natera Variant Classification Schema (03/2026). Collection method: clinical testing. Allele origin: germline.
Comment: The c.416G>A variant in GJB2 is a missense variant predicted to cause substitution of serine to asparagine at amino acid 139. This variant is rare in the general population with a frequency below the threshold expected for the associated phenotype(s). This variant has been observed in one or more individuals affected with the associated recessive disease, as either homozygous or compound heterozygous with a second variant (PMID: 17041943, 20154630). Given the available evidence, this variant is classified as Pathogenic.

PreventionGenetics, part of Exact Sciences
Classification: Pathogenic for GJB2-related condition. Last evaluated: 2025-11-19. Review status: criteria provided, single submitter. Criteria: ACMG Guidelines, 2015. Collection method: clinical testing. Allele origin: germline.
Comment: The GJB2 c.416G>A variant is predicted to result in the amino acid substitution p.Ser139Asn. This variant has been reported as causative in patients with autosomal recessive nonsyndromic hearing loss (Marlin et al. 2001. PubMed ID: 11493200; Dodson et al. 2011. PubMed ID: 21465647; Plevova et al. 2018. PubMed ID: 30344259; Wu et al. 2002. PubMed ID: 12172394; Burke et al. 2016. PubMed ID: 26778469). This variant is reported in 0.058% of alleles in individuals of European (Non-Finnish) descent in gnomAD and is interpreted as pathogenic by the vast majority of labs in ClinVar (Variation ID: 44749). This variant is interpreted as pathogenic.

Revvity Omics, Revvity
Classification: Pathogenic. Last evaluated: 2025-06-25. Review status: criteria provided, single submitter. Criteria: ACMG Guidelines, 2015. Collection method: clinical testing. Allele origin: germline.

Variantyx, Inc.
Classification: Pathogenic for Autosomal recessive nonsyndromic hearing loss 1A. Last evaluated: 2025-04-21. Review status: criteria provided, single submitter. Criteria: Variantyx Assertion Criteria 2022. Collection method: clinical testing. Allele origin: germline. Inheritance: Autosomal recessive inheritance. Affected: yes.
Comment: This is a nonsynonymous variant in the GJB2 gene (OMIM: 121011). Pathogenic variants in this gene have been associated with autosomal recessive deafness 1A. Functional studies have shown that this variant alters GJB2 protein function (PMID: 16864573) (PS3_Moderate). This variant has a 0.0805% maximum allele frequency in non-founder control populations (PM2). Computational algorithms produce conflicting evidence regarding the predicted functional impact of this variant (REVEL score: 0.633). Based on the current evidence, this variant is classified as pathogenic for autosomal recessive deafness 1A.

NM_004004.6(GJB2):c.416G>A (p.Ser139Asn)

Gene: GJB2 (gap junction protein beta 2; minus strand). Cytogenetic location: 13q12.11.
Variant type: single nucleotide variant.
Coding change: c.416G>A on transcript NM_004004.6 (MANE Select); coding-DNA position 416, G replaced by A.
Protein change: p.Ser139Asn; replaces serine 139 with asparagine.
Molecular consequence: missense variant.
Genome position (GRCh38, 1-based): chr13:20,189,166, C>T on the plus strand (G>A on the coding strand, the complement: GJB2 is on the minus strand). VCF-style: chr13-20189166-C-T. GRCh37 (hg19) VCF-style: chr13-20763305-C-T.
Other names: short protein forms S139N.
Identifiers: ClinVar variation 44749 (VCV000044749.111), dbSNP rs76434661, ClinGen allele CA172232.